The following is an entry in ClinVar:

ClinVar aggregate classification (germline): Uncertain significance (1 of 4 stars; one submission).

Submission:

Ambry Genetics
Classification: Uncertain significance. Last evaluated: 2024-01-19. Review status: criteria provided, single submitter. Criteria: Ambry Variant Classification Scheme 2023. Collection method: clinical testing. Allele origin: germline.
Comment: The p.N454S variant (also known as c.1361A>G), located in coding exon 13 of the NPAT gene, results from an A to G substitution at nucleotide position 1361. The asparagine at codon 454 is replaced by serine, an amino acid with highly similar properties. This amino acid position is conserved. In addition, this alteration is predicted to be tolerated by in silico analysis. Based on the available evidence, the clinical significance of this alteration remains unclear.

NM_002519.3(NPAT):c.1361A>G (p.Asn454Ser)

Gene: NPAT (nuclear protein, coactivator of histone transcription; minus strand). Cytogenetic location: 11q22.3.
Variant type: single nucleotide variant.
Coding change: c.1361A>G on transcript NM_002519.3 (MANE Select); coding-DNA position 1361, A replaced by G.
Protein change: p.Asn454Ser; replaces asparagine 454 with serine.
Molecular consequence: missense variant.
Genome position (GRCh38, 1-based): chr11:108,173,623, T>C on the plus strand (A>G on the coding strand, the complement: NPAT is on the minus strand). VCF-style: chr11-108173623-T-C. GRCh37 (hg19) VCF-style: chr11-108044350-T-C.
Other names: c.1361A>G, p.Asn454Ser (NM_001321307.1); short protein forms N454S.
Identifiers: ClinVar variation 3222462 (VCV003222462.1), dbSNP rs2496721606, ClinGen allele CA382515481.
Genomic context (GRCh38, chr11:108,173,623, plus strand): 5'-TGATTGGTGTATAATTCAGCACAATGTGGATTACATTCAGCATTAGAATTCCCTCTTTGG[T>C]TAAAGTCATTCAAATTAGGCACGGACTCAAAGGTAATGTCAATGTCACACTTCTGTTCAG-3'
Protein context (NP_002510.2, residues 444-464): FESVPNLNDF[Asn454Ser]QRGNSNAECN